The following is an entry in ClinVar:

NM_004448.4(ERBB2):c.2568C>T (p.Pro856=)

Gene: ERBB2 (erb-b2 receptor tyrosine kinase 2; plus strand). Cytogenetic location: 17q12.
Variant type: single nucleotide variant.
Coding change: c.2568C>T on transcript NM_004448.4 (MANE Select); coding-DNA position 2568, C replaced by T.
Protein change: p.Pro856=; no amino-acid change (proline 856 retained).
Molecular consequence: synonymous variant. On other transcripts: non-coding transcript variant (1), intron variant (3).
Genome position (GRCh38, 1-based): chr17:39,725,123, C>T. VCF-style: chr17-39725123-C-T. GRCh37 (hg19) VCF-style: chr17-37881376-C-T.
Other names: c.2478C>T, p.Pro826= (NM_001005862.3, NM_001382782.1, NM_001382783.1); c.2523C>T, p.Pro841= (NM_001289936.2); c.2568C>T, p.Pro856= (NM_001289937.2, NM_001382796.1); c.2685C>T, p.Pro895= (NM_001382784.1); c.2670C>T, p.Pro890= (NM_001382785.1); c.2649C>T, p.Pro883= (NM_001382786.1); c.2643C>T, p.Pro881= (NM_001382787.1); c.2598C>T, p.Pro866= (NM_001382788.1); and 15 more.
Identifiers: ClinVar variation 132947 (VCV000132947.2), dbSNP rs104886009, ClinGen allele CA269852.

ClinVar aggregate classification (germline): not provided (0 of 4 stars; one submission).

Conditions:
Familial cancer of breast. Also called: BREAST CANCER, FAMILIAL; hereditary breast carcinoma; Hereditary breast cancer. Identifiers: Orphanet 227535, MedGen C0346153, MONDO:0016419, OMIM 114480. Disease mechanism: loss of function.

Submission:

Laboratory of Translational Genomics,  National Cancer Institute
No classification provided. Condition: Familial cancer of breast. Review status: no classification provided. Collection method: not provided. Allele origin: somatic.
Comment: Breast Cancer specimen